The following is an entry in ClinVar:

ClinVar aggregate classification (germline): Uncertain significance. Review status: criteria provided, multiple submitters, no conflicts (2 of 4 stars). 5 submissions from 5 submitters: Uncertain significance (5). Last evaluated 2025-08-13.

Conditions:
Inborn genetic diseases. Identifiers: MedGen C0950123, MeSH D030342.
Acyl-CoA oxidase deficiency. Also called: Peroxisomal acyl-CoA oxidase deficiency; Pseudoneonatal adrenoleukodystrophy; STRAIGHT-CHAIN ACYL-CoA OXIDASE DEFICIENCY. Identifiers: Orphanet 2971, MedGen C1849678, MONDO:0009919, OMIM 264470. Disease mechanism: loss of function.
ACOX1-related disorder. Also called: ACOX1-related condition; ACOX1-related disorders.

Allele frequency attached by ClinVar (database versions not stated): gnomAD 0.00001 and 0.00002; TOPMed 0.00001.
gnomAD v4.1: 22 of 1,613,918 alleles (0.0014%); highest among the groups gnomAD compares: African/African-American, 0.0067%; no homozygotes.

Submissions (5):

PreventionGenetics, part of Exact Sciences
Classification: Uncertain significance for ACOX1-related condition. Last evaluated: 2025-08-13. Review status: criteria provided, single submitter. Criteria: ACMG Guidelines, 2015. Collection method: clinical testing. Allele origin: germline.
Comment: The ACOX1 c.1123G>A variant is predicted to result in the amino acid substitution p.Ala375Thr. To our knowledge, this variant has not been reported in the literature. This variant is reported in 0.0080% of alleles in individuals of African descent in gnomAD. At this time, the clinical significance of this variant is uncertain due to the absence of conclusive functional and genetic evidence.

Mayo Clinic Laboratories, Mayo Clinic
Classification: Uncertain significance. Last evaluated: 2025-08-12. Review status: criteria provided, single submitter. Criteria: ACMG Guidelines, 2015. Collection method: clinical testing. Allele origin: germline. Observed: 1 variant allele.

Labcorp Genetics (formerly Invitae), Labcorp
Classification: Uncertain significance for Acyl-CoA oxidase deficiency. Last evaluated: 2025-07-27. Review status: criteria provided, single submitter. Criteria: Invitae Variant Classification Sherloc (09022015). Collection method: clinical testing. Allele origin: germline.
Comment: This sequence change replaces alanine, which is neutral and non-polar, with threonine, which is neutral and polar, at codon 375 of the ACOX1 protein (p.Ala375Thr). This variant is present in population databases (rs767935600, gnomAD 0.008%). This variant has not been reported in the literature in individuals affected with ACOX1-related conditions. ClinVar contains an entry for this variant (Variation ID: 892049). Invitae Evidence Modeling of protein sequence and biophysical properties (such as structural, functional, and spatial information, amino acid conservation, physicochemical variation, residue mobility, and thermodynamic stability) indicates that this missense variant is not expected to disrupt ACOX1 protein function with a negative predictive value of 80%. In summary, the available evidence is currently insufficient to determine the role of this variant in disease. Therefore, it has been classified as a Variant of Uncertain Significance.

Ambry Genetics
Classification: Uncertain significance for Inborn genetic diseases. Last evaluated: 2025-06-30. Review status: criteria provided, single submitter. Criteria: Ambry Variant Classification Scheme 2023. Collection method: clinical testing. Allele origin: germline.

Illumina Laboratory Services, Illumina
Classification: Uncertain significance for Acyl-CoA oxidase deficiency. Last evaluated: 2018-01-13. Review status: criteria provided, single submitter. Criteria: ICSL Variant Classification Criteria 13 December 2019. Collection method: clinical testing. Allele origin: germline.

NM_004035.7(ACOX1):c.1123G>A (p.Ala375Thr)

Gene: ACOX1 (acyl-CoA oxidase 1; minus strand). Cytogenetic location: 17q25.1.
Variant type: single nucleotide variant.
Coding change: c.1123G>A on transcript NM_004035.7 (MANE Select); coding-DNA position 1123, G replaced by A.
Protein change: p.Ala375Thr; replaces alanine 375 with threonine.
Molecular consequence: missense variant.
Genome position (GRCh38, 1-based): chr17:75,950,949, C>T on the plus strand (G>A on the coding strand, the complement: ACOX1 is on the minus strand). VCF-style: chr17-75950949-C-T. GRCh37 (hg19) VCF-style: chr17-73947030-C-T.
Other names: p.Ala375Thr; c.1009G>A, p.Ala337Thr (NM_001185039.2); c.1123G>A, p.Ala375Thr (NM_007292.6); short protein forms A337T, A375T.
Identifiers: ClinVar variation 892049 (VCV000892049.9), dbSNP rs767935600, ClinGen allele CA8776828.